The following is an entry in ClinVar:

NM_172107.4(KCNQ2):c.1661A>G (p.Lys554Arg)

Gene: KCNQ2 (potassium voltage-gated channel subfamily Q member 2; minus strand). Cytogenetic location: 20q13.33.
Variant type: single nucleotide variant.
Coding change: c.1661A>G on transcript NM_172107.4 (MANE Select); coding-DNA position 1661, A replaced by G.
Protein change: p.Lys554Arg; replaces lysine 554 with arginine.
Molecular consequence: missense variant.
Genome position (GRCh38, 1-based): chr20:63,413,552, T>C on the plus strand (A>G on the coding strand, the complement: KCNQ2 is on the minus strand). VCF-style: chr20-63413552-T-C. GRCh37 (hg19) VCF-style: chr20-62044905-T-C.
Other names: c.1568A>G, p.Lys523Arg (NM_172108.5); c.1607A>G, p.Lys536Arg (NM_001382235.1, NM_172106.3); c.1604A>G, p.Lys535Arg (NM_001439003.1); c.1574A>G, p.Lys525Arg (NM_001439004.1); c.1577A>G, p.Lys526Arg (NM_004518.6); short protein forms K523R, K525R, K526R, K535R, K536R, K554R.
Identifiers: ClinVar variation 4858669 (VCV004858669.1).
Genomic context (GRCh38, chr20:63,413,552, plus strand): 5'-CCGGCTGAGTACTGCTCGATGACGTCCATCACGTCGTAGGGCCGCAGGCTCTCCTTGAAC[T>C]TCCGCTTGGACACCAGGAACCGCATGACACTGCAGGGGGGTGGGTGGGGCTGTGAGCCCT-3'
Protein context (NP_742105.1, residues 544-564): CVMRFLVSKR[Lys554Arg]FKESLRPYDV

ClinVar aggregate classification (germline): Uncertain significance (1 of 4 stars; one submission).

Conditions:
Inborn genetic diseases. Identifiers: MedGen C0950123, MeSH D030342.

Submission:

Ambry Genetics
Classification: Uncertain significance for Inborn genetic diseases. Last evaluated: 2026-04-01. Review status: criteria provided, single submitter. Criteria: Ambry Variant Classification Scheme 2023. Collection method: clinical testing. Allele origin: germline.
Comment: The c.1661A>G (p.K554R) alteration is located in exon 15 (coding exon 15) of the KCNQ2 gene. This alteration results from an A to G substitution at nucleotide position 1661, causing the lysine (K) at amino acid position 554 to be replaced by an arginine (R). This variant was not reported in population-based cohorts in the Genome Aggregation Database (gnomAD). This amino acid position is well conserved in available vertebrate species. This missense variant is located in a region that has a low rate of benign missense variation (Lek, 2016; Firth, 2009). The in silico prediction for this alteration is inconclusive. Based on insufficient or conflicting evidence, the clinical significance of this alteration remains unclear.